The following is an entry in ClinVar:

ClinVar aggregate classification (germline): Likely benign. Review status: criteria provided, multiple submitters, no conflicts (2 of 4 stars). 3 submissions from 3 submitters: Likely benign (2). 1 of the submissions does not count toward it. Last evaluated 2024-09-04.

Conditions:
TTN-related disorder. Also called: TTN-related disorders; TTN-related condition; TTN-related disease.
Dilated cardiomyopathy 1G (CMD1G). Identifiers: Orphanet 154, MedGen C1858763, MONDO:0011400, OMIM 604145.
Autosomal recessive limb-girdle muscular dystrophy type 2J (LGMDR10). Also called: Limb-girdle muscular dystrophy, type 2J; MUSCULAR DYSTROPHY, LIMB-GIRDLE, AUTOSOMAL RECESSIVE 10. Identifiers: Orphanet 140922, MedGen C1837342, MONDO:0012127, OMIM 608807.
Cardiovascular phenotype. Identifiers: MedGen CN230736.

Allele frequency attached by ClinVar (database versions not stated): gnomAD exomes below 0.00001 and 0.00001; gnomAD 0.00001; TOPMed 0.00001.
gnomAD v4.1: 11 of 1,612,596 alleles (0.00068%); highest among the groups gnomAD compares: Non-Finnish European, 0.00093%; no homozygotes.

Submissions (3):

Ambry Genetics
Classification: Likely benign for Cardiovascular phenotype. Last evaluated: 2024-09-04. Review status: criteria provided, single submitter. Criteria: Ambry Variant Classification Scheme 2023. Collection method: clinical testing. Allele origin: germline.

Labcorp Genetics (formerly Invitae), Labcorp
Classification: Likely benign for Dilated cardiomyopathy 1G; Autosomal recessive limb-girdle muscular dystrophy type 2J. Last evaluated: 2024-08-08. Review status: criteria provided, single submitter. Criteria: Invitae Variant Classification Sherloc (09022015). Collection method: clinical testing. Allele origin: germline.

PreventionGenetics, part of Exact Sciences
Classification: Likely benign for TTN-related condition. Last evaluated: 2020-05-21. Review status: no assertion criteria provided. Collection method: clinical testing. Allele origin: germline. Not counted in ClinVar's aggregate classification.
Comment: This variant is classified as likely benign based on ACMG/AMP sequence variant interpretation guidelines (Richards et al. 2015 PMID: 25741868, with internal and published modifications).

NM_001267550.2(TTN):c.53493A>G (p.Gln17831=)

Genes: TTN-AS1 (TTN antisense RNA 1; plus strand), TTN (titin; minus strand). Cytogenetic location: 2q31.2.
Variant type: single nucleotide variant.
Coding change: c.53493A>G on transcript NM_001267550.2 (MANE Select); coding-DNA position 53493, A replaced by G.
Protein change: p.Gln17831=; no amino-acid change (glutamine 17831 retained).
Molecular consequence: synonymous variant.
Genome position (GRCh38, 1-based): chr2:178,607,109, T>C on the plus strand (A>G on the coding strand, the complement: TTN is on the minus strand). VCF-style: chr2-178607109-T-C. GRCh37 (hg19) VCF-style: chr2-179471836-T-C.
Other names: c.48570A>G, p.Gln16190= (NM_001256850.1); c.26298A>G, p.Gln8766= (NM_003319.4); c.45789A>G, p.Gln15263= (NM_133378.4); c.26673A>G, p.Gln8891= (NM_133432.3); c.26874A>G, p.Gln8958= (NM_133437.4).
Identifiers: ClinVar variation 1137090 (VCV001137090.12), dbSNP rs1259584072, ClinGen allele CA430270578.